The following is an entry in ClinVar:

ClinVar aggregate classification (germline): Uncertain significance (1 of 4 stars; one submission).

Allele frequency attached by ClinVar (database versions not stated): gnomAD 0.00001; TOPMed 0.00003.
gnomAD v4.1: 9 of 1,612,544 alleles (0.00056%); highest among the groups gnomAD compares: African/African-American, 0.0027%; no homozygotes.

Submission:

Labcorp Genetics (formerly Invitae), Labcorp
Classification: Uncertain significance. Last evaluated: 2022-07-12. Review status: criteria provided, single submitter. Criteria: Invitae Variant Classification Sherloc (09022015). Collection method: clinical testing. Allele origin: germline.
Comment: This sequence change replaces histidine, which is basic and polar, with arginine, which is basic and polar, at codon 461 of the PRPF4 protein (p.His461Arg). This variant is present in population databases (rs747548672, gnomAD 0.02%). This variant has not been reported in the literature in individuals affected with PRPF4-related conditions. ClinVar contains an entry for this variant (Variation ID: 1481306). Algorithms developed to predict the effect of missense changes on protein structure and function (SIFT, PolyPhen-2, Align-GVGD) all suggest that this variant is likely to be tolerated. In summary, the available evidence is currently insufficient to determine the role of this variant in disease. Therefore, it has been classified as a Variant of Uncertain Significance.

NM_001244926.2(PRPF4):c.1379A>G (p.His460Arg)

Gene: PRPF4 (pre-mRNA splicing tri-snRNP complex factor PRPF4; plus strand). Cytogenetic location: 9q32.
Variant type: single nucleotide variant.
Coding change: c.1379A>G on transcript NM_001244926.2 (MANE Select); coding-DNA position 1379, A replaced by G.
Protein change: p.His460Arg; replaces histidine 460 with arginine.
Molecular consequence: missense variant. On other transcripts: non-coding transcript variant (2).
Genome position (GRCh38, 1-based): chr9:113,291,473, A>G. VCF-style: chr9-113291473-A-G. GRCh37 (hg19) VCF-style: chr9-116053753-A-G.
Other names: c.653A>G, p.His218Arg (NM_001322266.2, NM_001322267.2); c.1382A>G, p.His461Arg (NM_004697.5); short protein forms H460R, H218R, H461R.
Identifiers: ClinVar variation 1481306 (VCV001481306.8), dbSNP rs747548672, ClinGen allele CA5195176.